The following is an entry in ClinVar:

ClinVar aggregate classification (germline): Uncertain significance (1 of 4 stars; one submission).

gnomAD v4.1: 15 of 1,614,212 alleles (0.00093%); highest among the groups gnomAD compares: South Asian, 0.015%; no homozygotes.

Submission:

Labcorp Genetics (formerly Invitae), Labcorp
Classification: Uncertain significance. Last evaluated: 2024-05-22. Review status: criteria provided, single submitter. Criteria: Invitae Variant Classification Sherloc (09022015). Collection method: clinical testing. Allele origin: germline.
Comment: This sequence change replaces threonine, which is neutral and polar, with serine, which is neutral and polar, at codon 781 of the FNIP1 protein (p.Thr781Ser). This variant is present in population databases (rs556318282, gnomAD 0.03%). This variant has not been reported in the literature in individuals affected with FNIP1-related conditions. An algorithm developed to predict the effect of missense changes on protein structure and function (PolyPhen-2) suggests that this variant is likely to be tolerated. In summary, the available evidence is currently insufficient to determine the role of this variant in disease. Therefore, it has been classified as a Variant of Uncertain Significance.

NM_133372.3(FNIP1):c.2341A>T (p.Thr781Ser)

Gene: FNIP1 (folliculin interacting protein 1; minus strand). Cytogenetic location: 5q31.1.
Variant type: single nucleotide variant.
Coding change: c.2341A>T on transcript NM_133372.3 (MANE Select); coding-DNA position 2341, A replaced by T.
Protein change: p.Thr781Ser; replaces threonine 781 with serine.
Molecular consequence: missense variant.
Genome position (GRCh38, 1-based): chr5:131,672,103, T>A on the plus strand (A>T on the coding strand, the complement: FNIP1 is on the minus strand). VCF-style: chr5-131672103-T-A. GRCh37 (hg19) VCF-style: chr5-131007796-T-A.
Other names: c.2257A>T, p.Thr753Ser (NM_001008738.3); c.2206A>T, p.Thr736Ser (NM_001346114.2); short protein forms T781S, T736S, T753S.
Identifiers: ClinVar variation 3703663 (VCV003703663.2).